The following is an entry in ClinVar:

ClinVar aggregate classification (germline): Uncertain significance (1 of 4 stars; one submission).

Conditions:
Catecholaminergic polymorphic ventricular tachycardia 1. Also called: VENTRICULAR TACHYCARDIA, CATECHOLAMINERGIC POLYMORPHIC, 1, WITH OR WITHOUT ATRIAL DYSFUNCTION AND/OR DILATED CARDIOMYOPATHY; VENTRICULAR TACHYCARDIA, STRESS-INDUCED POLYMORPHIC 1; RYR2-Related Catecholaminergic Polymorphic Ventricular Tachycardia. Identifiers: Orphanet 3286, MedGen C1631597, MONDO:0011484, OMIM 604772.

Allele frequency attached by ClinVar (database versions not stated): gnomAD 0.00001.
gnomAD v4.1: 1 of 1,606,240 alleles (0.000062%); highest among the groups gnomAD compares: African/African-American, 0.0013%; no homozygotes.

Submission:

Labcorp Genetics (formerly Invitae), Labcorp
Classification: Uncertain significance for Catecholaminergic polymorphic ventricular tachycardia 1. Last evaluated: 2022-04-28. Review status: criteria provided, single submitter. Criteria: Invitae Variant Classification Sherloc (09022015). Collection method: clinical testing. Allele origin: germline.
Comment: This sequence change replaces phenylalanine, which is neutral and non-polar, with leucine, which is neutral and non-polar, at codon 3170 of the RYR2 protein (p.Phe3170Leu). This variant is not present in population databases (gnomAD no frequency). This variant has not been reported in the literature in individuals affected with RYR2-related conditions. Advanced modeling of protein sequence and biophysical properties (such as structural, functional, and spatial information, amino acid conservation, physicochemical variation, residue mobility, and thermodynamic stability) performed at Invitae indicates that this missense variant is expected to disrupt RYR2 protein function. In summary, the available evidence is currently insufficient to determine the role of this variant in disease. Therefore, it has been classified as a Variant of Uncertain Significance.

NM_001035.3(RYR2):c.9508T>C (p.Phe3170Leu)

Gene: RYR2 (ryanodine receptor 2; plus strand). Cytogenetic location: 1q43.
Variant type: single nucleotide variant.
Coding change: c.9508T>C on transcript NM_001035.3 (MANE Select); coding-DNA position 9508, T replaced by C.
Protein change: p.Phe3170Leu; replaces phenylalanine 3170 with leucine.
Molecular consequence: missense variant.
Genome position (GRCh38, 1-based): chr1:237,705,271, T>C. VCF-style: chr1-237705271-T-C. GRCh37 (hg19) VCF-style: chr1-237868571-T-C.
Other names: short protein forms F3170L.
Identifiers: ClinVar variation 2131182 (VCV002131182.4), dbSNP rs771377754, ClinGen allele CA345407597.